The following is an entry in ClinVar:

NM_016103.4(SAR1B):c.184G>A (p.Glu62Lys)

Gene: SAR1B (secretion associated Ras related GTPase 1B; minus strand). Cytogenetic location: 5q31.1.
Variant type: single nucleotide variant.
Coding change: c.184G>A on transcript NM_016103.4 (MANE Select); coding-DNA position 184, G replaced by A.
Protein change: p.Glu62Lys; replaces glutamic acid 62 with lysine.
Molecular consequence: missense variant.
Genome position (GRCh38, 1-based): chr5:134,612,751, C>T on the plus strand (G>A on the coding strand, the complement: SAR1B is on the minus strand). VCF-style: chr5-134612751-C-T. GRCh37 (hg19) VCF-style: chr5-133948441-C-T.
Other names: c.184G>A, p.Glu62Lys (NM_001033503.3); short protein forms E62K.
Identifiers: ClinVar variation 1404989 (VCV001404989.6), dbSNP rs749648549, ClinGen allele CA3414527.

ClinVar aggregate classification (germline): Uncertain significance (1 of 4 stars; one submission).

Allele frequency attached by ClinVar (database versions not stated): ExAC 0.00001; gnomAD 0.00001; gnomAD exomes 0.00001.
gnomAD v4.1: 22 of 1,543,986 alleles (0.0014%); highest among the groups gnomAD compares: African/African-American, 0.0028%; no homozygotes.

Submission:

Labcorp Genetics (formerly Invitae), Labcorp
Classification: Uncertain significance. Last evaluated: 2021-11-29. Review status: criteria provided, single submitter. Criteria: Invitae Variant Classification Sherloc (09022015). Collection method: clinical testing. Allele origin: germline.
Comment: This sequence change replaces glutamic acid, which is acidic and polar, with lysine, which is basic and polar, at codon 62 of the SAR1B protein (p.Glu62Lys). This variant is present in population databases (rs749648549, gnomAD 0.003%). This missense change has been observed in individual(s) with chylomicron retention disease (PMID: 23043934). Algorithms developed to predict the effect of missense changes on protein structure and function (SIFT, PolyPhen-2, Align-GVGD) all suggest that this variant is likely to be disruptive. In summary, the available evidence is currently insufficient to determine the role of this variant in disease. Therefore, it has been classified as a Variant of Uncertain Significance.

Literature cited by the submitters: PubMed 23043934.